The following is an entry in ClinVar:

ClinVar aggregate classification (germline): Pathogenic (1 of 4 stars; one submission).

Submission:

Labcorp Genetics (formerly Invitae), Labcorp
Classification: Pathogenic. Last evaluated: 2022-08-16. Review status: criteria provided, single submitter. Criteria: Invitae Variant Classification Sherloc (09022015). Collection method: clinical testing. Allele origin: germline.
Comment: For these reasons, this variant has been classified as Pathogenic. This premature translational stop signal has been observed in individual(s) with dominant optic atrophy (PMID: 11810270). This variant is not present in population databases (gnomAD no frequency). This sequence change creates a premature translational stop signal (p.Cys435Tyrfs*9) in the OPA1 gene. It is expected to result in an absent or disrupted protein product. Loss-of-function variants in OPA1 are known to be pathogenic (PMID: 11440988, 20157015, 20952381, 25012220).

Literature cited by the submitters: PubMed 11810270; PubMed 11440988; PubMed 20157015; PubMed 20952381; PubMed 25012220.

NM_130837.3(OPA1):c.1469_1470del (p.Cys490fs)

Gene: OPA1 (OPA1 mitochondrial dynamin like GTPase; plus strand). Cytogenetic location: 3q29.
Variant type: Microsatellite.
Coding change: c.1469_1470del on transcript NM_130837.3 (MANE Select); coding-DNA positions 1469 to 1470, 2 bases deleted (GT; older notation c.1469_1470delGT).
Protein change: p.Cys490fs; shifts the reading frame from cysteine 490.
Molecular consequence: frameshift variant.
Genome position (GRCh38, 1-based): chr3:193,643,619-193,643,620, GT deleted; deleting any 2 consecutive bases within chr3:193,643,616-193,643,620 gives the same sequence; the c. name uses the placement nearest the transcript's 3' end. VCF-style (leftmost placement, unchanged base first): chr3-193643615-CTG-C. GRCh37 (hg19) VCF-style: chr3-193361404-CTG-C.
Other names: c.935_936del, p.Cys312fs (NM_001354663.2); c.932_933del, p.Cys311fs (NM_001354664.2); c.1304_1305del, p.Cys435fs (NM_015560.3); c.1196_1197del, p.Cys399fs (NM_130831.3); c.1250_1251del, p.Cys417fs (NM_130832.3); c.1307_1308del, p.Cys436fs (NM_130833.3); c.1358_1359del, p.Cys453fs (NM_130834.3); c.1361_1362del, p.Cys454fs (NM_130835.3); and 1 more; short protein forms C454fs, C472fs, C312fs, C417fs, C435fs, C453fs, C399fs, C436fs.
Identifiers: ClinVar variation 2203482 (VCV002203482.4), dbSNP rs2474874709, ClinGen allele CA2580616039.